The following is an entry in ClinVar:

ClinVar aggregate classification (germline): Uncertain significance (1 of 4 stars; one submission).

Submission:

GeneDx
Classification: Uncertain significance. Last evaluated: 2024-05-13. Review status: criteria provided, single submitter. Criteria: GeneDx Variant Classification Process June 2021. Collection method: clinical testing. Allele origin: germline. Affected: yes.
Comment: Not observed at significant frequency in large population cohorts (gnomAD); In silico analysis indicates that this missense variant does not alter protein structure/function; Has not been previously published as pathogenic or benign to our knowledge

NM_020706.2(SCAF4):c.2612A>C (p.Gln871Pro)

Gene: SCAF4 (SR-related CTD associated factor 4; minus strand). Cytogenetic location: 21q22.11.
Variant type: single nucleotide variant.
Coding change: c.2612A>C on transcript NM_020706.2 (MANE Select); coding-DNA position 2612, A replaced by C.
Protein change: p.Gln871Pro; replaces glutamine 871 with proline.
Molecular consequence: missense variant.
Genome position (GRCh38, 1-based): chr21:31,672,231, T>G on the plus strand (A>C on the coding strand, the complement: SCAF4 is on the minus strand). VCF-style: chr21-31672231-T-G. GRCh37 (hg19) VCF-style: chr21-33044544-T-G.
Other names: c.2567A>C, p.Gln856Pro (NM_001145444.1); c.2546A>C, p.Gln849Pro (NM_001145445.1); short protein forms Q849P, Q856P, Q871P.
Identifiers: ClinVar variation 3378071 (VCV003378071.1).